The following is an entry in ClinVar:

NM_001111.5(ADAR):c.1466G>C (p.Arg489Pro)

Gene: ADAR (adenosine deaminase RNA specific; minus strand). Cytogenetic location: 1q21.3.
Variant type: single nucleotide variant.
Coding change: c.1466G>C on transcript NM_001111.5 (MANE Select); coding-DNA position 1466, G replaced by C.
Protein change: p.Arg489Pro; replaces arginine 489 with proline.
Molecular consequence: missense variant.
Genome position (GRCh38, 1-based): chr1:154,601,176, C>G on the plus strand (G>C on the coding strand, the complement: ADAR is on the minus strand). VCF-style: chr1-154601176-C-G. GRCh37 (hg19) VCF-style: chr1-154573652-C-G.
Other names: c.581G>C, p.Arg194Pro (NM_001025107.3, NM_001193495.2, NM_001365046.1 and 3 more transcripts); c.1493G>C, p.Arg498Pro (NM_001365045.1); c.1466G>C, p.Arg489Pro (NM_015840.4, NM_015841.4); short protein forms R194P, R489P, R498P.
Identifiers: ClinVar variation 1717896 (VCV001717896.5), dbSNP rs751656552, ClinGen allele CA342596218.

ClinVar aggregate classification (germline): Uncertain significance (1 of 4 stars; one submission).

Conditions:
Symmetrical dyschromatosis of extremities (DSH). Also called: DYSCHROMATOSIS SYMMETRICA HEREDITARIA 1; RETICULATE ACROPIGMENTATION OF DOHI; SYMMETRIC DYSCHROMATOSIS OF THE EXTREMITIES; Dyschromatosis symmetrica hereditaria. Identifiers: Orphanet 41, MedGen C0406775, MONDO:0007483, OMIM 127400.
Aicardi-Goutieres syndrome 6 (AGS6). Identifiers: Orphanet 51, MedGen C3539013, MONDO:0014007, OMIM 615010.

Submission:

Labcorp Genetics (formerly Invitae), Labcorp
Classification: Uncertain significance for Aicardi-Goutieres syndrome 6; Symmetrical dyschromatosis of extremities. Last evaluated: 2024-10-22. Review status: criteria provided, single submitter. Criteria: Invitae Variant Classification Sherloc (09022015). Collection method: clinical testing. Allele origin: germline.
Comment: This sequence change replaces arginine, which is basic and polar, with proline, which is neutral and non-polar, at codon 489 of the ADAR protein (p.Arg489Pro). This variant is not present in population databases (gnomAD no frequency). This variant has not been reported in the literature in individuals affected with ADAR-related conditions. ClinVar contains an entry for this variant (Variation ID: 1717896). Invitae Evidence Modeling of protein sequence and biophysical properties (such as structural, functional, and spatial information, amino acid conservation, physicochemical variation, residue mobility, and thermodynamic stability) indicates that this missense variant is not expected to disrupt ADAR protein function with a negative predictive value of 80%. In summary, the available evidence is currently insufficient to determine the role of this variant in disease. Therefore, it has been classified as a Variant of Uncertain Significance.